The following is an entry in ClinVar:

NM_003172.4(SURF1):c.752-1G>C

Gene: SURF1 (SURF1 cytochrome c oxidase assembly factor; minus strand). Cytogenetic location: 9q34.2.
Variant type: single nucleotide variant.
Coding change: c.752-1G>C on transcript NM_003172.4 (MANE Select); the canonical splice acceptor site of the intron before coding-DNA position 752, G replaced by C.
Molecular consequence: splice acceptor variant.
Genome position (GRCh38, 1-based): chr9:133,352,143, C>G on the plus strand (G>C on the coding strand, the complement: SURF1 is on the minus strand). VCF-style: chr9-133352143-C-G. GRCh37 (hg19) VCF-style: chr9-136218998-C-G.
Other names: c.425-1G>C (NM_001280787.1).
Identifiers: ClinVar variation 488613 (VCV000488613.11), dbSNP rs1391748504, ClinGen allele CA375693588.

ClinVar aggregate classification (germline): Pathogenic/Likely pathogenic. Review status: criteria provided, multiple submitters, no conflicts (2 of 4 stars). 5 submissions from 5 submitters: Pathogenic (4); Likely pathogenic (1). Last evaluated 2025-09-27.

Conditions:
Leigh syndrome (NULS). Also called: LEIGH SYNDROME, NUCLEAR; Leigh's necrotizing encephalopathy; Leigh's disease; Leigh Disease; Subacute necrotizing encephalopathy; Necrotizing encephalopathy infantile subacute of Leigh. Identifiers: Orphanet 506, MedGen C2931891, MONDO:0009723, OMIM 256000.
SURF1-related disorder. Also called: SURF1-related condition.

Allele frequency attached by ClinVar (database versions not stated): gnomAD 0.00001; gnomAD exomes 0.00001; TOPMed 0.00001; ExAC 0.00002.
gnomAD v4.1: 3 of 1,595,174 alleles (0.00019%); highest among the groups gnomAD compares: Admixed American, 0.0017%; no homozygotes.

Submissions (5):

Labcorp Genetics (formerly Invitae), Labcorp
Classification: Pathogenic for Leigh syndrome. Last evaluated: 2025-09-27. Review status: criteria provided, single submitter. Criteria: Invitae Variant Classification Sherloc (09022015). Collection method: clinical testing. Allele origin: germline.
Comment: This sequence change affects an acceptor splice site in intron 7 of the SURF1 gene. It is expected to disrupt RNA splicing. Variants that disrupt the donor or acceptor splice site typically lead to a loss of protein function (PMID: 16199547), and loss-of-function variants in SURF1 are known to be pathogenic (PMID: 10443880, 22488715, 24027061). This variant is present in population databases (no rsID available, gnomAD 0.003%). Disruption of this splice site has been observed in individual(s) with Leigh syndrome (PMID: 18583168, 34868319). In at least one individual the data is consistent with being in trans (on the opposite chromosome) from a pathogenic variant. ClinVar contains an entry for this variant (Variation ID: 488613). Algorithms developed to predict the effect of sequence changes on RNA splicing suggest that this variant may disrupt the consensus splice site. For these reasons, this variant has been classified as Pathogenic.

GeneDx
Classification: Pathogenic. Last evaluated: 2023-06-27. Review status: criteria provided, single submitter. Criteria: GeneDx Variant Classification Process June 2021. Collection method: clinical testing. Allele origin: germline. Affected: yes.
Comment: Canonical splice site variant predicted to result in a null allele in a gene for which loss of function is a known mechanism of disease; Not observed at significant frequency in large population cohorts (gnomAD); This variant is associated with the following publications: (PMID: 25525159, 36675121, 18583168, 34868319)

Women's Health and Genetics/Laboratory Corporation of America, LabCorp
Classification: Pathogenic for Leigh syndrome. Last evaluated: 2022-12-27. Review status: criteria provided, single submitter. Criteria: LabCorp Variant Classification Summary - May 2015. Collection method: clinical testing. Allele origin: germline.
Comment: Variant summary: SURF1 c.752-1G>C is located in a canonical splice-site and is predicted to affect mRNA splicing resulting in a significantly altered protein due to either exon skipping, shortening, or inclusion of intronic material. Several computational tools predict a significant impact on normal splicing: five predict the variant abolishes a 3' acceptor site, and four predict the variant creates a 3' acceptor site two nucleotides downstream of the original 3' acceptor site (which would result in a frame-shift at the protein level). However, these predictions have yet to be confirmed by functional studies. The variant allele was found at a frequency of 9.2e-06 in 216730 control chromosomes (gnomAD). c.752-1G>C has been reported in the literature in multiple individuals affected with Leigh Syndrome (e.g. Pieutowska-Abramczuk_2009, Katkevica_2021). These data indicate that the variant is likely to be associated with disease. To our knowledge, no experimental evidence demonstrating an impact on protein function has been reported. One ClinVar submitter (evaluation after 2014) classified the variant as pathogenic. Based on the evidence outlined above, the variant was classified as pathogenic.

Blueprint Genetics
Classification: Likely pathogenic for SURF1-related disorders. Last evaluated: 2019-11-29. Review status: criteria provided, single submitter. Criteria: ACMG Guidelines, 2015. Collection method: clinical testing. Allele origin: germline. Affected: yes. Observed: 1 variant allele.

Institute of Human Genetics Munich, TUM University Hospital
Classification: Pathogenic for Leigh syndrome. Last evaluated: 2017-11-03. Review status: criteria provided, single submitter. Criteria: Classification criteria August 2017. Collection method: clinical testing. Allele origin: maternal. Inheritance: Autosomal recessive inheritance. Affected: yes. Observed: 1 compound heterozygote.

Literature cited by the submitters: PubMed 16199547 (cited by Labcorp Genetics (formerly Invitae), Labcorp); PubMed 10443880 (cited by Labcorp Genetics (formerly Invitae), Labcorp); PubMed 22488715 (cited by Labcorp Genetics (formerly Invitae), Labcorp); PubMed 24027061 (cited by Labcorp Genetics (formerly Invitae), Labcorp); PubMed 18583168 (cited by Labcorp Genetics (formerly Invitae), Labcorp and Women's Health and Genetics/Laboratory Corporation of America, LabCorp); PubMed 34868319 (cited by Labcorp Genetics (formerly Invitae), Labcorp and Women's Health and Genetics/Laboratory Corporation of America, LabCorp).